The following is an entry in ClinVar:

ClinVar aggregate classification (germline): Pathogenic (1 of 4 stars; one submission).

Submission:

Labcorp Genetics (formerly Invitae), Labcorp
Classification: Pathogenic. Last evaluated: 2022-05-28. Review status: criteria provided, single submitter. Criteria: Invitae Variant Classification Sherloc (09022015). Collection method: clinical testing. Allele origin: germline.
Comment: This sequence change affects a donor splice site in intron 36 of the COL4A5 gene. It is expected to disrupt RNA splicing. Variants that disrupt the donor or acceptor splice site typically lead to a loss of protein function (PMID: 16199547), and loss-of-function variants in COL4A5 are known to be pathogenic (PMID: 9195222, 10752524, 14514738, 24854265, 26809805). This variant is not present in population databases (gnomAD no frequency). Disruption of this splice site has been observed in individuals with Alport syndrome (PMID: 24033287). ClinVar contains an entry for this variant (Variation ID: 1457088). Algorithms developed to predict the effect of sequence changes on RNA splicing suggest that this variant may disrupt the consensus splice site. For these reasons, this variant has been classified as Pathogenic.

Literature cited by the submitters: PubMed 16199547; PubMed 9195222; PubMed 10752524; PubMed 14514738; PubMed 24854265; PubMed 26809805; PubMed 24033287.

NM_033380.3(COL4A5):c.3246+1G>A

Gene: COL4A5 (collagen type IV alpha 5 chain; plus strand). Cytogenetic location: Xq22.3.
Variant type: single nucleotide variant.
Coding change: c.3246+1G>A on transcript NM_033380.3 (MANE Select); the canonical splice donor site of the intron after coding-DNA position 3246, G replaced by A.
Molecular consequence: splice donor variant.
Genome position (GRCh38, 1-based): chrX:108,626,350, G>A. VCF-style: chrX-108626350-G-A. GRCh37 (hg19) VCF-style: chrX-107869580-G-A.
Other names: c.3246+1G>A (NM_000495.5).
Identifiers: ClinVar variation 1457088 (VCV001457088.8), dbSNP rs1569499064, ClinGen allele CA413855122.